The following is an entry in ClinVar:

ClinVar aggregate classification (germline): Conflicting classifications of pathogenicity. Review status: criteria provided, conflicting classifications (1 of 4 stars). 3 submissions from 3 submitters: Uncertain significance (2); Likely benign (1). Last evaluated 2026-08-20.

Conditions:
CDH23-related disorder. Also called: CDH23-related condition; CDH23-related disorders.

Allele frequency attached by ClinVar (database versions not stated): TOPMed 0.00002; gnomAD 0.00003; gnomAD exomes 0.00005; ExAC 0.00007; 1000 Genomes Project 30x 0.00016; 1000 Genomes Project 0.00020.
gnomAD v4.1: 72 of 1,613,974 alleles (0.0045%); highest among the groups gnomAD compares: East Asian, 0.16%; no homozygotes.

Submissions (3):

PreventionGenetics, part of Exact Sciences
Classification: Uncertain significance for CDH23-related condition. Last evaluated: 2026-08-20. Review status: criteria provided, single submitter. Criteria: ACMG Guidelines, 2015. Collection method: clinical testing. Allele origin: germline.
Comment: The CDH23 c.4216A>G variant is predicted to result in the amino acid substitution p.Ile1406Val. To our knowledge, this variant has not been reported in the literature. This variant is reported in 0.072% of alleles in individuals of East Asian descent in gnomAD. At this time, the clinical significance of this variant is uncertain due to the absence of conclusive functional and genetic evidence.

Labcorp Genetics (formerly Invitae), Labcorp
Classification: Likely benign. Last evaluated: 2026-01-19. Review status: criteria provided, single submitter. Criteria: Invitae Variant Classification Sherloc (09022015). Collection method: clinical testing. Allele origin: germline.

Blueprint Genetics
Classification: Uncertain significance. Last evaluated: 2020-03-16. Review status: criteria provided, single submitter. Criteria: ACMG Guidelines, 2015. Collection method: clinical testing. Allele origin: germline.

NM_022124.6(CDH23):c.4216A>G (p.Ile1406Val)

Gene: CDH23 (cadherin related 23; plus strand). Cytogenetic location: 10q22.1.
Variant type: single nucleotide variant.
Coding change: c.4216A>G on transcript NM_022124.6 (MANE Select); coding-DNA position 4216, A replaced by G.
Protein change: p.Ile1406Val; replaces isoleucine 1406 with valine.
Molecular consequence: missense variant.
Genome position (GRCh38, 1-based): chr10:71,738,504, A>G. VCF-style: chr10-71738504-A-G. GRCh37 (hg19) VCF-style: chr10-73498261-A-G.
Other names: c.4216A>G (NM_022124.5); short protein forms I1406V.
Identifiers: ClinVar variation 2080768 (VCV002080768.6), dbSNP rs192459984, ClinGen allele CA5544988.